The following is an entry in ClinVar:

NM_015046.7(SETX):c.3288_3291del (p.His1096fs)

Gene: SETX (senataxin; minus strand). Cytogenetic location: 9q34.13.
Variant type: Deletion.
Coding change: c.3288_3291del on transcript NM_015046.7 (MANE Select); coding-DNA positions 3288 to 3291, 4 bases deleted (TCCA; older notation c.3288_3291delTCCA).
Protein change: p.His1096fs; shifts the reading frame from histidine 1096.
Molecular consequence: frameshift variant.
Genome position (GRCh38, 1-based): chr9:132,328,307-132,328,310, TGGA deleted on the plus strand (TCCA on the coding strand, the reverse complement: SETX is on the minus strand); deleting any 4 consecutive bases within chr9:132,328,307-132,328,312 gives the same sequence; the c. name uses the placement nearest the transcript's 3' end. VCF-style (leftmost placement, unchanged base first): chr9-132328306-CTGGA-C. GRCh37 (hg19) VCF-style: chr9-135203693-CTGGA-C.
Other names: c.3288_3291del, p.His1096fs (NM_001351527.2, NM_001351528.2); short protein forms H1096fs.
Identifiers: ClinVar variation 2034975 (VCV002034975.4), dbSNP rs1846980272, ClinGen allele CA1882147737.

ClinVar aggregate classification (germline): Pathogenic (1 of 4 stars; one submission).

Conditions:
Amyotrophic lateral sclerosis type 4 (ALS4). Also called: NEURONOPATHY, DISTAL HEREDITARY MOTOR, WITH PYRAMIDAL FEATURES; AMYOTROPHIC LATERAL SCLEROSIS 4, JUVENILE. Identifiers: Orphanet 357043, MedGen C1865409, MONDO:0011223, OMIM 602433.
Spinocerebellar ataxia, autosomal recessive, with axonal neuropathy 2 (SCAN2). Also called: ATAXIA-OCULOMOTOR APRAXIA 2; Ataxia with Oculomotor Apraxia Type 2; Ataxia-ocular apraxia-2; Ataxia with Oculomotor Apraxia. Identifiers: Orphanet 64753, MedGen C1853761, MONDO:0018996, OMIM 606002.

Submission:

Labcorp Genetics (formerly Invitae), Labcorp
Classification: Pathogenic for Amyotrophic lateral sclerosis type 4; Spinocerebellar ataxia, autosomal recessive, with axonal neuropathy 2. Last evaluated: 2022-10-09. Review status: criteria provided, single submitter. Criteria: Invitae Variant Classification Sherloc (09022015). Collection method: clinical testing. Allele origin: germline.
Comment: For these reasons, this variant has been classified as Pathogenic. This variant has not been reported in the literature in individuals affected with SETX-related conditions. This variant is not present in population databases (gnomAD no frequency). This sequence change creates a premature translational stop signal (p.His1096Glnfs*18) in the SETX gene. It is expected to result in an absent or disrupted protein product. Loss-of-function variants in SETX are known to be pathogenic (PMID: 14770181).

Literature cited by the submitters: PubMed 14770181.